The following is an entry in ClinVar:

NM_000217.3(KCNA1):c.653C>G (p.Thr218Arg)

Gene: KCNA1 (potassium voltage-gated channel subfamily A member 1; plus strand). Cytogenetic location: 12p13.32.
Variant type: single nucleotide variant.
Coding change: c.653C>G on transcript NM_000217.3 (MANE Select); coding-DNA position 653, C replaced by G.
Protein change: p.Thr218Arg; replaces threonine 218 with arginine.
Molecular consequence: missense variant.
Genome position (GRCh38, 1-based): chr12:4,912,031, C>G. VCF-style: chr12-4912031-C-G. GRCh37 (hg19) VCF-style: chr12-5021197-C-G.
Other names: short protein forms T218R.
Identifiers: ClinVar variation 955267 (VCV000955267.9), dbSNP rs1280516411, ClinGen allele CA383455038.
Genomic context (GRCh38, chr12:4,912,031, plus strand): 5'-TCACGGGCACCGTCCACCGCATCGACAACACCACGGTCATCTACAATTCCAACATCTTCA[C>G]AGACCCCTTCTTCATCGTGGAAACGCTGTGTATCATCTGGTTCTCCTTCGAGCTGGTGGT-3'
Protein context (NP_000208.2, residues 208-228): TTVIYNSNIF[Thr218Arg]DPFFIVETLC

ClinVar aggregate classification (germline): Uncertain significance (1 of 4 stars; one submission).

Conditions:
Episodic ataxia type 1 (EA1). Also called: MYOKYMIA WITH PERIODIC ATAXIA; Episodic ataxia/myokymia syndrome; PAROXYSMAL ATAXIA WITH NEUROMYOTONIA, HEREDITARY; ATAXIA, EPISODIC, WITH MYOKYMIA. Identifiers: Orphanet 37612, Orphanet 972, MedGen C1719788, MONDO:0008047, OMIM 160120.

Allele frequency attached by ClinVar (database versions not stated): gnomAD exomes below 0.00001.
gnomAD v4.1: 1 of 1,614,206 alleles (0.000062%); highest among the groups gnomAD compares: African/African-American, 0.0013%; no homozygotes.

Submission:

Labcorp Genetics (formerly Invitae), Labcorp
Classification: Uncertain significance for Episodic ataxia type 1. Last evaluated: 2021-03-05. Review status: criteria provided, single submitter. Criteria: Invitae Variant Classification Sherloc (09022015). Collection method: clinical testing. Allele origin: germline.
Comment: This variant has not been reported in the literature in individuals with KCNA1-related conditions. This sequence change replaces threonine with arginine at codon 218 of the KCNA1 protein (p.Thr218Arg). The threonine residue is highly conserved and there is a moderate physicochemical difference between threonine and arginine. This variant is not present in population databases (ExAC no frequency). Algorithms developed to predict the effect of missense changes on protein structure and function are either unavailable or do not agree on the potential impact of this missense change (SIFT: "Deleterious"; PolyPhen-2: "Benign"; Align-GVGD: "Class C65"). Algorithms developed to predict the effect of sequence changes on RNA splicing suggest that this variant may create or strengthen a splice site, but this prediction has not been confirmed by published transcriptional studies. In summary, the available evidence is currently insufficient to determine the role of this variant in disease. Therefore, it has been classified as a Variant of Uncertain Significance.